The following is an entry in ClinVar:

ClinVar aggregate classification (germline): Uncertain significance. Review status: criteria provided, multiple submitters, no conflicts (2 of 4 stars). 2 submissions from 2 submitters: Uncertain significance (2). Last evaluated 2025-04-24.

Allele frequency attached by ClinVar (database versions not stated): TOPMed 0.00007; ESP Exome Variant Server 0.00008; gnomAD exomes 0.00015 and 0.00003; gnomAD 0.00003; ExAC 0.00005.

Submissions (2):

Labcorp Genetics (formerly Invitae), Labcorp
Classification: Uncertain significance. Last evaluated: 2025-04-24. Review status: criteria provided, single submitter. Criteria: Invitae Variant Classification Sherloc (09022015). Collection method: clinical testing. Allele origin: germline.
Comment: This sequence change replaces glutamic acid, which is acidic and polar, with glutamine, which is neutral and polar, at codon 59 of the MMP9 protein (p.Glu59Gln). This variant is present in population databases (rs199906203, gnomAD 0.005%). This variant has not been reported in the literature in individuals affected with MMP9-related conditions. ClinVar contains an entry for this variant (Variation ID: 195236). An algorithm developed to predict the effect of missense changes on protein structure and function outputs the following: PolyPhen-2: "Benign". The glutamine amino acid residue is found in multiple mammalian species, which suggests that this missense change does not adversely affect protein function. In summary, the available evidence is currently insufficient to determine the role of this variant in disease. Therefore, it has been classified as a Variant of Uncertain Significance.

Eurofins Ntd Llc (ga)
Classification: Uncertain significance. Last evaluated: 2015-02-05. Review status: criteria provided, single submitter. Criteria: EGL Classification Definitions 2015. Collection method: clinical testing. Allele origin: germline. Observed: 1 variant allele, 1 heterozygote.

NM_004994.3(MMP9):c.175G>C (p.Glu59Gln)

Gene: MMP9 (matrix metallopeptidase 9; plus strand). Cytogenetic location: 20q13.12.
Variant type: single nucleotide variant.
Coding change: c.175G>C on transcript NM_004994.3 (MANE Select); coding-DNA position 175, G replaced by C.
Protein change: p.Glu59Gln; replaces glutamic acid 59 with glutamine.
Molecular consequence: missense variant.
Genome position (GRCh38, 1-based): chr20:46,009,902, G>C. VCF-style: chr20-46009902-G-C. GRCh37 (hg19) VCF-style: chr20-44638541-G-C.
Other names: short protein forms E59Q.
Identifiers: ClinVar variation 195236 (VCV000195236.12), dbSNP rs199906203, ClinGen allele CA241572.
Genomic context (GRCh38, chr20:46,009,902, plus strand): 5'-ATGTGTGTGTCCCTTCATCCACAGGAATACCTGTACCGCTATGGTTACACTCGGGTGGCA[G>C]AGATGCGTGGAGAGTCGAAATCTCTGGGGCCTGCGCTGCTGCTTCTCCAGAAGCAACTGT-3'
Protein context (NP_004985.2, residues 49-69): LYRYGYTRVA[Glu59Gln]MRGESKSLGP